The following is an entry in ClinVar:

NM_152618.3(BBS12):c.1504G>T (p.Ala502Ser)

Gene: BBS12 (Bardet-Biedl syndrome 12; plus strand). Cytogenetic location: 4q27.
Variant type: single nucleotide variant.
Coding change: c.1504G>T on transcript NM_152618.3 (MANE Select); coding-DNA position 1504, G replaced by T.
Protein change: p.Ala502Ser; replaces alanine 502 with serine.
Molecular consequence: missense variant.
Genome position (GRCh38, 1-based): chr4:122,743,396, G>T. VCF-style: chr4-122743396-G-T. GRCh37 (hg19) VCF-style: chr4-123664551-G-T.
Other names: c.1504G>T, p.Ala502Ser (NM_001178007.2); short protein forms A502S.
Identifiers: ClinVar variation 425337 (VCV000425337.49), dbSNP rs142593414, ClinGen allele CA3069464.
Genomic context (GRCh38, chr4:122,743,396, plus strand): 5'-GTAGATAGGAACAACAGAATCGCAATCTTATTAAAAACAGAAGGAATTAATTTGGTTACG[G>T]CCGTGCTCACTAACCCAGTTACTGCACAGATGCAAATCAAAGAAGATAGGTTCTGGACAT-3'
Protein context (NP_689831.2, residues 492-512): LKTEGINLVT[Ala502Ser]VLTNPVTAQM

ClinVar aggregate classification (germline): Conflicting classifications of pathogenicity. Review status: criteria provided, conflicting classifications (1 of 4 stars). 5 submissions from 5 submitters: Pathogenic (1); Likely pathogenic (2); Uncertain significance (2). Last evaluated 2023-08-11.

Conditions:
Bardet-Biedl syndrome (BBS). Identifiers: Orphanet 110, MedGen C0752166, MONDO:0015229.
BBS12-related disorder. Also called: BBS12-related condition.

Allele frequency attached by ClinVar (database versions not stated): gnomAD 0.00001; gnomAD exomes 0.00001 and 0.00002; TOPMed 0.00001; ExAC 0.00002; ESP Exome Variant Server 0.00008.
gnomAD v4.1: 14 of 1,614,078 alleles (0.00087%); highest among the groups gnomAD compares: Admixed American, 0.0017%; no homozygotes.

Submissions (5):

GeneDx
Classification: Likely pathogenic. Last evaluated: 2023-08-11. Review status: criteria provided, single submitter. Criteria: GeneDx Variant Classification Process June 2021. Collection method: clinical testing. Allele origin: germline. Affected: yes.
Comment: Reported with additional BBS12 variants (phase unknown) in a patient with inherited retinal disorder in published literature (Weisschuh et al., 2020); clinical information not available; Not observed at significant frequency in large population cohorts (gnomAD); In silico analysis supports that this missense variant does not alter protein structure/function; This variant is associated with the following publications: (PMID: 35886001, 32531858)

Labcorp Genetics (formerly Invitae), Labcorp
Classification: Uncertain significance for Bardet-Biedl syndrome. Last evaluated: 2022-06-14. Review status: criteria provided, single submitter. Criteria: Invitae Variant Classification Sherloc (09022015). Collection method: clinical testing. Allele origin: germline.
Comment: This sequence change replaces alanine, which is neutral and non-polar, with serine, which is neutral and polar, at codon 502 of the BBS12 protein (p.Ala502Ser). This variant is present in population databases (rs142593414, gnomAD 0.003%). This variant has not been reported in the literature in individuals affected with BBS12-related conditions. ClinVar contains an entry for this variant (Variation ID: 425337). Algorithms developed to predict the effect of missense changes on protein structure and function are either unavailable or do not agree on the potential impact of this missense change (SIFT: "Tolerated"; PolyPhen-2: "Probably Damaging"; Align-GVGD: "Class C0"). In summary, the available evidence is currently insufficient to determine the role of this variant in disease. Therefore, it has been classified as a Variant of Uncertain Significance.

Molecular Genetics Laboratory, Institute for Ophthalmic Research
Classification: Pathogenic for Bardet-Biedl syndrome. Last evaluated: 2020-01-09. Review status: criteria provided, single submitter. Criteria: ACMG Guidelines, 2015. Collection method: research. Allele origin: germline. Affected: yes.

Blueprint Genetics
Classification: Likely pathogenic for BBS12-related disorders. Last evaluated: 2019-12-12. Review status: criteria provided, single submitter. Criteria: ACMG Guidelines, 2015. Collection method: clinical testing. Allele origin: germline. Affected: yes. Observed: 2 variant alleles.

CeGaT Center for Human Genetics Tuebingen
Classification: Uncertain significance. Last evaluated: 2017-01-01. Review status: criteria provided, single submitter. Criteria: CeGaT Center For Human Genetics Tuebingen Variant Classification Criteria Version 2. Collection method: clinical testing. Allele origin: germline. Affected: yes. Observed: 1 variant allele.